The following is an entry in ClinVar:

NM_001148.6(ANK2):c.5635_5638del (p.Ser1879fs)

Genes: ANK2 (ankyrin 2; plus strand), LOC126807136 (MED14-independent group 3 enhancer GRCh37_chr4:114274931-114276130; plus strand). Cytogenetic location: 4q26.
Variant type: Deletion.
Coding change: c.5635_5638del on transcript NM_001148.6 (MANE Select); coding-DNA positions 5635 to 5638, 4 bases deleted (TCAC; older notation c.5635_5638delTCAC).
Protein change: p.Ser1879fs; shifts the reading frame from serine 1879.
Molecular consequence: frameshift variant. On other transcripts: intron variant (68).
Genome position (GRCh38, 1-based): chr4:113,354,253-113,354,256, TCAC deleted; deleting any 4 consecutive bases within chr4:113,354,250-113,354,256 gives the same sequence; the c. name uses the placement nearest the transcript's 3' end. VCF-style (leftmost placement, unchanged base first): chr4-113354249-ACACT-A. GRCh37 (hg19) VCF-style: chr4-114275405-ACACT-A.
Other names: c.5401_5404del, p.Ser1801fs (NM_001386142.1); c.2035_2038del, p.Ser679fs (NM_001386166.1); c.5776_5779del, p.Ser1926fs (NM_001386174.1); c.5752_5755del, p.Ser1918fs (NM_001386175.1); c.4411+4004_4411+4007del (NM_001386186.2, NM_001386148.2); c.4213+4004_4213+4007del (NM_001354269.3); c.4291+4004_4291+4007del (NM_001386187.2); c.4252+4004_4252+4007del (NM_001386147.1); and 35 more; short protein forms S1801fs, S1879fs, S1918fs, S1926fs, S679fs.
Identifiers: ClinVar variation 3376711 (VCV003376711.1).

ClinVar aggregate classification (germline): Pathogenic (1 of 4 stars; one submission).

Conditions:
Neurodevelopmental disorder. Identifiers: MedGen C1535926, MeSH D065886, MONDO:0700092.

Submission:

Victorian Clinical Genetics Services, Murdoch Childrens Research Institute
Classification: Pathogenic for Neurodevelopmental disorder. Last evaluated: 2023-07-17. Review status: criteria provided, single submitter. Criteria: ACMG Guidelines, 2015. Collection method: clinical testing. Allele origin: germline. Inheritance: Autosomal dominant inheritance. Affected: yes.
Comment: Based on the classification scheme VCGS_Germline_v1.3.4, this variant is classified as Pathogenic. Following criteria are met: 0102 - Loss of function is a known mechanism of disease in this gene and is associated with neurodevelopmental disorder, ANK2-related (MONDO:0700092). (I) 0107 - This gene is associated with autosomal dominant disease. (I) 0201 - Variant is predicted to cause nonsense-mediated decay (NMD) and loss of protein (premature termination codon is located at least 54 nucleotides upstream of the final exon-exon junction). (SP) 0219 - This variant is non-coding in an alternative transcript. This variant is coding in the ClinVar predominant transcript, but is non-coding in the majority of transcripts (UCSC). However, this transcript is still expressed (GTex), and described as brain-specific (PMID: 18790697). (I) 0251 - This variant is heterozygous. (I) 0301 - Variant is absent from gnomAD (both v2 and v3). (SP) 0701 - Other variants comparable to the one identified in this case have very strong previous evidence for pathogenicity. These variants have been reported as variants of uncertain significance with limited clinical information, or as pathogenic, and observed in individuals with neurodevelopmental disorders and autism. Several of these variants have been observed in the same exon as c.5635_5638del (ClinVar, PMID: 28191889, PMID: 33087701). (SP) 0807 - This variant has no previous evidence of pathogenicity. (I) 0905 - No published segregation evidence has been identified for this variant. (I) 1007 - No published functional evidence has been identified for this variant. (I) 1208 - Inheritance information for this variant is not currently available in this individual. (I) Legend: (SP) - Supporting pathogenic, (I) - Information, (SB) - Supporting benign

Literature cited by the submitters: PubMed 18790697; PubMed 28191889; PubMed 33087701.